The following is an entry in ClinVar:

ClinVar aggregate classification (germline): Uncertain significance (1 of 4 stars; one submission).

Submission:

GeneDx
Classification: Uncertain significance. Last evaluated: 2026-04-15. Review status: criteria provided, single submitter. Criteria: GeneDx Variant Classification Process June 2021. Collection method: clinical testing. Allele origin: germline.
Comment: Not observed at significant frequency in large population cohorts (gnomAD); In silico analysis suggests that this missense variant does not alter protein structure/function; Has not been previously published as pathogenic or benign to our knowledge; This substitution is predicted to be within the cytoplasmic loop between the first and second homologous domains

NM_001165963.4(SCN1A):c.1370C>A (p.Ala457Glu)

Gene: SCN1A (sodium voltage-gated channel alpha subunit 1; minus strand). Cytogenetic location: 2q24.3.
Variant type: single nucleotide variant.
Coding change: c.1370C>A on transcript NM_001165963.4 (MANE Select); coding-DNA position 1370, C replaced by A.
Protein change: p.Ala457Glu; replaces alanine 457 with glutamic acid.
Molecular consequence: missense variant. On other transcripts: 5 prime UTR variant (1), non-coding transcript variant (1).
Genome position (GRCh38, 1-based): chr2:166,046,777, G>T on the plus strand (C>A on the coding strand, the complement: SCN1A is on the minus strand). VCF-style: chr2-166046777-G-T. GRCh37 (hg19) VCF-style: chr2-166903287-G-T.
Other names: c.1370C>A, p.Ala457Glu (NM_001165964.3, NM_001353960.2, NM_006920.6 and 10 more transcripts); c.-1056C>A (NM_001353961.2); short protein forms A457E.
Identifiers: ClinVar variation 5036910 (VCV005036910.1).
Genomic context (GRCh38, chr2:166,046,777, plus strand): 5'-ACGTAACAATCAGAACGATAAAAGGTCAGTGCCATGAGACAGGGCAGCTTTACCTGAGCT[G>T]CCTCCTGTTGCTTTTTAAGCTGTTCAATCATCTGCTGAAATTCGGCCTCTTTCTGTTCTG-3'
Protein context (NP_001159435.1, residues 447-467): MIEQLKKQQE[Ala457Glu]AQQAATATAS